The following is an entry in ClinVar:

NM_001453.3(FOXC1):c.107G>A (p.Gly36Asp)

Gene: FOXC1 (forkhead box C1; plus strand). Cytogenetic location: 6p25.3.
Variant type: single nucleotide variant.
Coding change: c.107G>A on transcript NM_001453.3 (MANE Select); coding-DNA position 107, G replaced by A.
Protein change: p.Gly36Asp; replaces glycine 36 with aspartic acid.
Molecular consequence: missense variant.
Genome position (GRCh38, 1-based): chr6:1,610,552, G>A. VCF-style: chr6-1610552-G-A. GRCh37 (hg19) VCF-style: chr6-1610787-G-A.
Other names: short protein forms G36D.
Identifiers: ClinVar variation 1925528 (VCV001925528.5), dbSNP rs1229052822, ClinGen allele CA362558089.

ClinVar aggregate classification (germline): Uncertain significance (1 of 4 stars; one submission).

Conditions:
Axenfeld-Rieger syndrome type 3 (RIEG3). Also called: AXENFELD-RIEGER ANOMALY WITH CARDIAC DEFECTS AND/OR SENSORINEURAL HEARING LOSS. Identifiers: Orphanet 782, MedGen C2678503, MONDO:0011233, OMIM 602482.

Allele frequency attached by ClinVar (database versions not stated): gnomAD exomes below 0.00001.

Submission:

Labcorp Genetics (formerly Invitae), Labcorp
Classification: Uncertain significance for Axenfeld-Rieger syndrome type 3. Last evaluated: 2022-10-16. Review status: criteria provided, single submitter. Criteria: Invitae Variant Classification Sherloc (09022015). Collection method: clinical testing. Allele origin: germline.
Comment: In summary, the available evidence is currently insufficient to determine the role of this variant in disease. Therefore, it has been classified as a Variant of Uncertain Significance. This sequence change replaces glycine, which is neutral and non-polar, with aspartic acid, which is acidic and polar, at codon 36 of the FOXC1 protein (p.Gly36Asp). The frequency data for this variant in the population databases is considered unreliable, as metrics indicate poor data quality at this position in the gnomAD database. This variant has not been reported in the literature in individuals affected with FOXC1-related conditions. Algorithms developed to predict the effect of missense changes on protein structure and function are either unavailable or do not agree on the potential impact of this missense change (SIFT: "Deleterious"; PolyPhen-2: "Possibly Damaging"; Align-GVGD: "Class C0").